The following is an entry in ClinVar:

ClinVar aggregate classification (germline): Uncertain significance. Review status: criteria provided, multiple submitters, no conflicts (2 of 4 stars). 2 submissions from 2 submitters: Uncertain significance (2). Last evaluated 2025-05-19.

Conditions:
Inborn genetic diseases. Identifiers: MedGen C0950123, MeSH D030342.

gnomAD v4.1: 2 of 1,614,000 alleles (0.00012%); no homozygotes.

Submissions (2):

Ambry Genetics
Classification: Uncertain significance for Inborn genetic diseases. Last evaluated: 2025-05-19. Review status: criteria provided, single submitter. Criteria: Ambry Variant Classification Scheme 2023. Collection method: clinical testing. Allele origin: germline.

Labcorp Genetics (formerly Invitae), Labcorp
Classification: Uncertain significance. Last evaluated: 2024-04-07. Review status: criteria provided, single submitter. Criteria: Invitae Variant Classification Sherloc (09022015). Collection method: clinical testing. Allele origin: germline.
Comment: This sequence change replaces serine, which is neutral and polar, with phenylalanine, which is neutral and non-polar, at codon 219 of the USH1C protein (p.Ser219Phe). This variant is not present in population databases (gnomAD no frequency). This variant has not been reported in the literature in individuals affected with USH1C-related conditions. An algorithm developed to predict the effect of missense changes on protein structure and function (PolyPhen-2) suggests that this variant is likely to be disruptive. In summary, the available evidence is currently insufficient to determine the role of this variant in disease. Therefore, it has been classified as a Variant of Uncertain Significance.

NM_153676.4(USH1C):c.656C>T (p.Ser219Phe)

Gene: USH1C (USH1 protein network component harmonin; minus strand). Cytogenetic location: 11p15.1.
Variant type: single nucleotide variant.
Coding change: c.656C>T on transcript NM_153676.4 (MANE Select); coding-DNA position 656, C replaced by T.
Protein change: p.Ser219Phe; replaces serine 219 with phenylalanine.
Molecular consequence: missense variant. On other transcripts: non-coding transcript variant (1).
Genome position (GRCh38, 1-based): chr11:17,526,365, G>A on the plus strand (C>T on the coding strand, the complement: USH1C is on the minus strand). VCF-style: chr11-17526365-G-A. GRCh37 (hg19) VCF-style: chr11-17547912-G-A.
Other names: c.656C>T (NM_005709.3); c.656C>T, p.Ser219Phe (NM_001297764.2, NM_005709.4); short protein forms S219F.
Identifiers: ClinVar variation 3715440 (VCV003715440.3).
Genomic context (GRCh38, chr11:17,526,365, plus strand): 5'-TGCACTGGCCACGAATGACCCCAGGGCATGCCTGCCACCCACCTGCAGCCAAGGCCTCGG[G>A]AGCCTACCAGGCTGATGAAGACCTTCTTCTCCTTGTTTTCCCGATTTCCAGGGGAGCCCA-3'
Protein context (NP_710142.1, residues 209-229): EKKVFISLVG[Ser219Phe]RGLGCSISSG